The following is an entry in ClinVar:

ClinVar aggregate classification (germline): Uncertain significance. Review status: criteria provided, multiple submitters, no conflicts (2 of 4 stars). 2 submissions from 2 submitters: Uncertain significance (2). Last evaluated 2022-09-28.

Conditions:
Hereditary cancer-predisposing syndrome. Also called: Neoplastic Syndromes, Hereditary; Tumor predisposition; Hereditary neoplastic syndrome; Hereditary Cancer Syndrome. Identifiers: Orphanet 140162, MedGen C0027672, MeSH D009386, MONDO:0015356.

Submissions (2):

Labcorp Genetics (formerly Invitae), Labcorp
Classification: Uncertain significance for Hereditary cancer-predisposing syndrome. Last evaluated: 2022-09-28. Review status: criteria provided, single submitter. Criteria: Invitae Variant Classification Sherloc (09022015). Collection method: clinical testing. Allele origin: germline.
Comment: ClinVar contains an entry for this variant (Variation ID: 824245). Advanced modeling of protein sequence and biophysical properties (such as structural, functional, and spatial information, amino acid conservation, physicochemical variation, residue mobility, and thermodynamic stability) performed at Invitae indicates that this missense variant is expected to disrupt RAD50 protein function. In summary, the available evidence is currently insufficient to determine the role of this variant in disease. Therefore, it has been classified as a Variant of Uncertain Significance. This variant has not been reported in the literature in individuals affected with RAD50-related conditions. This sequence change replaces aspartic acid, which is acidic and polar, with valine, which is neutral and non-polar, at codon 1270 of the RAD50 protein (p.Asp1270Val). This variant is not present in population databases (gnomAD no frequency).

Ambry Genetics
Classification: Uncertain significance for Hereditary cancer-predisposing syndrome. Last evaluated: 2018-10-11. Review status: criteria provided, single submitter. Criteria: Ambry Variant Classification Scheme 2023. Collection method: clinical testing. Allele origin: germline.
Comment: The p.D1270V variant (also known as c.3809A>T), located in coding exon 25 of the RAD50 gene, results from an A to T substitution at nucleotide position 3809. The aspartic acid at codon 1270 is replaced by valine, an amino acid with highly dissimilar properties. This amino acid position is highly conserved in available vertebrate species. In addition, this alteration is predicted to be deleterious by in silico analysis. Since supporting evidence is limited at this time, the clinical significance of this alteration remains unclear.

NM_005732.4(RAD50):c.3809A>T (p.Asp1270Val)

Genes: TH2LCRR (T helper type 2 locus control region associated RNA; minus strand), RAD50 (RAD50 double strand break repair protein; plus strand). Cytogenetic location: 5q31.1.
Variant type: single nucleotide variant.
Coding change: c.3809A>T on transcript NM_005732.4 (MANE Select); coding-DNA position 3809, A replaced by T.
Protein change: p.Asp1270Val; replaces aspartic acid 1270 with valine.
Molecular consequence: missense variant. On other transcripts: non-coding transcript variant (1).
Genome position (GRCh38, 1-based): chr5:132,642,234, A>T. VCF-style: chr5-132642234-A-T. GRCh37 (hg19) VCF-style: chr5-131977926-A-T.
Other names: short protein forms D1270V.
Identifiers: ClinVar variation 824245 (VCV000824245.10), dbSNP rs1581025025, ClinGen allele CA360936508.